The following is an entry in ClinVar:

NM_031885.5(BBS2):c.451G>A (p.Gly151Arg)

Gene: BBS2 (Bardet-Biedl syndrome 2; minus strand). Cytogenetic location: 16q13.
Variant type: single nucleotide variant.
Coding change: c.451G>A on transcript NM_031885.5 (MANE Select); coding-DNA position 451, G replaced by A.
Protein change: p.Gly151Arg; replaces glycine 151 with arginine.
Molecular consequence: missense variant. On other transcripts: non-coding transcript variant (5).
Genome position (GRCh38, 1-based): chr16:56,511,179, C>T on the plus strand (G>A on the coding strand, the complement: BBS2 is on the minus strand). VCF-style: chr16-56511179-C-T. GRCh37 (hg19) VCF-style: chr16-56545091-C-T.
Other names: c.451G>A, p.Gly151Arg (NM_001377456.1); short protein forms G151R.
Identifiers: ClinVar variation 3005092 (VCV003005092.3), dbSNP rs2543733317, ClinGen allele CA395984339.

ClinVar aggregate classification (germline): Uncertain significance (1 of 4 stars; one submission).

Conditions:
Bardet-Biedl syndrome (BBS). Identifiers: Orphanet 110, MedGen C0752166, MONDO:0015229.

Submission:

Labcorp Genetics (formerly Invitae), Labcorp
Classification: Uncertain significance for Bardet-Biedl syndrome. Last evaluated: 2023-12-25. Review status: criteria provided, single submitter. Criteria: Invitae Variant Classification Sherloc (09022015). Collection method: clinical testing. Allele origin: germline.
Comment: This sequence change replaces glycine, which is neutral and non-polar, with arginine, which is basic and polar, at codon 151 of the BBS2 protein (p.Gly151Arg). This variant is not present in population databases (gnomAD no frequency). This variant has not been reported in the literature in individuals affected with BBS2-related conditions. Advanced modeling of protein sequence and biophysical properties (such as structural, functional, and spatial information, amino acid conservation, physicochemical variation, residue mobility, and thermodynamic stability) performed at Invitae indicates that this missense variant is expected to disrupt BBS2 protein function with a positive predictive value of 80%. In summary, the available evidence is currently insufficient to determine the role of this variant in disease. Therefore, it has been classified as a Variant of Uncertain Significance.